The following is an entry in ClinVar:

NM_006096.4(NDRG1):c.14T>C (p.Met5Thr)

Gene: NDRG1 (N-myc downstream regulated 1; minus strand). Cytogenetic location: 8q24.22.
Variant type: single nucleotide variant.
Coding change: c.14T>C on transcript NM_006096.4 (MANE Select); coding-DNA position 14, T replaced by C.
Protein change: p.Met5Thr; replaces methionine 5 with threonine.
Molecular consequence: missense variant. On other transcripts: 5 prime UTR variant (1), intron variant (2).
Genome position (GRCh38, 1-based): chr8:133,284,298, A>G on the plus strand (T>C on the coding strand, the complement: NDRG1 is on the minus strand). VCF-style: chr8-133284298-A-G. GRCh37 (hg19) VCF-style: chr8-134296541-A-G.
Other names: c.14T>C, p.Met5Thr (NM_001135242.2, NM_001374844.1, NM_001374845.1 and 1 more transcripts); c.-124T>C (NM_001258433.2); c.-100+12836T>C (NM_001258432.2); c.-135-4031T>C (NM_001374847.1); short protein forms M5T.
Identifiers: ClinVar variation 1393584 (VCV001393584.9), dbSNP rs138555940, ClinGen allele CA4886946.

ClinVar aggregate classification (germline): Uncertain significance. Review status: criteria provided, multiple submitters, no conflicts (2 of 4 stars). 2 submissions from 2 submitters: Uncertain significance (2). Last evaluated 2024-10-22.

Conditions:
Charcot-Marie-Tooth disease type 4. Also called: Charcot-Marie-Tooth, Type 4; Charcot-Marie-Tooth disease, type IV. Identifiers: Orphanet 64749, MedGen C4082197, MONDO:0018995.
Inborn genetic diseases. Identifiers: MedGen C0950123, MeSH D030342.

Allele frequency attached by ClinVar (database versions not stated): ExAC 0.00001; gnomAD exomes 0.00002 and 0.00004; TOPMed 0.00002; gnomAD 0.00003; ESP Exome Variant Server 0.00008.
gnomAD v4.1: 56 of 1,614,006 alleles (0.0035%); highest among the groups gnomAD compares: Non-Finnish European, 0.0047%; no homozygotes.

Submissions (2):

Labcorp Genetics (formerly Invitae), Labcorp
Classification: Uncertain significance for Charcot-Marie-Tooth disease type 4. Last evaluated: 2024-10-22. Review status: criteria provided, single submitter. Criteria: Invitae Variant Classification Sherloc (09022015). Collection method: clinical testing. Allele origin: germline.
Comment: This sequence change replaces methionine, which is neutral and non-polar, with threonine, which is neutral and polar, at codon 5 of the NDRG1 protein (p.Met5Thr). This variant is present in population databases (rs138555940, gnomAD 0.004%). This variant has not been reported in the literature in individuals affected with NDRG1-related conditions. ClinVar contains an entry for this variant (Variation ID: 1393584). An algorithm developed to predict the effect of missense changes on protein structure and function (PolyPhen-2) suggests that this variant¬†is likely to be tolerated. In summary, the available evidence is currently insufficient to determine the role of this variant in disease. Therefore, it has been classified as a Variant of Uncertain Significance.

Ambry Genetics
Classification: Uncertain significance for Inborn genetic diseases. Last evaluated: 2024-05-28. Review status: criteria provided, single submitter. Criteria: Ambry Variant Classification Scheme 2023. Collection method: clinical testing. Allele origin: germline.